The following is an entry in ClinVar:

NM_002637.4(PHKA1):c.2660A>T (p.Asp887Val)

Gene: PHKA1 (phosphorylase kinase regulatory subunit alpha 1; minus strand). Cytogenetic location: Xq13.1.
Variant type: single nucleotide variant.
Coding change: c.2660A>T on transcript NM_002637.4 (MANE Select); coding-DNA position 2660, A replaced by T.
Protein change: p.Asp887Val; replaces aspartic acid 887 with valine.
Molecular consequence: missense variant.
Genome position (GRCh38, 1-based): chrX:72,605,566, T>A on the plus strand (A>T on the coding strand, the complement: PHKA1 is on the minus strand). VCF-style: chrX-72605566-T-A. GRCh37 (hg19) VCF-style: chrX-71825416-T-A.
Other names: c.2660A>T, p.Asp887Val (NM_001122670.2); c.2483A>T, p.Asp828Val (NM_001172436.2); short protein forms D887V, D828V.
Identifiers: ClinVar variation 2992765 (VCV002992765.3), dbSNP rs2052716806, ClinGen allele CA413589311.
Genomic context (GRCh38, chrX:72,605,566, plus strand): 5'-TCAGTCACCAGATTAGCCTTTACAATTCTTCTCACCTGTGTAAGGATTGAAATGCTCATA[T>A]CCCCTTCACTGGCTTCATCTATCAGCTGAGTGAGCGCCTCATAGGGCAGAGGTCTAAGGA-3'
Protein context (NP_002628.2, residues 877-897): TQLIDEASEG[Asp887Val]MSISILTQEI

ClinVar aggregate classification (germline): Uncertain significance (1 of 4 stars; one submission).

Conditions:
Glycogen storage disease IXd (GSD9D). Also called: Muscle Phosphorylase Kinase Deficiency; GSD IXd. Identifiers: Orphanet 715, MedGen C1845151, MONDO:0010362, OMIM 300559.

Allele frequency attached by ClinVar (database versions not stated): gnomAD exomes below 0.00001; gnomAD 0.00001; TOPMed 0.00001.
gnomAD v4.1: 2 of 1,205,789 alleles (0.00017%); highest among the groups gnomAD compares: Non-Finnish European, 0.00022%; no homozygotes.

Submission:

Labcorp Genetics (formerly Invitae), Labcorp
Classification: Uncertain significance for Glycogen storage disease IXd. Last evaluated: 2023-02-22. Review status: criteria provided, single submitter. Criteria: Invitae Variant Classification Sherloc (09022015). Collection method: clinical testing. Allele origin: germline.
Comment: This variant has not been reported in the literature in individuals affected with PHKA1-related conditions. This variant is not present in population databases (gnomAD no frequency). This sequence change replaces aspartic acid, which is acidic and polar, with valine, which is neutral and non-polar, at codon 887 of the PHKA1 protein (p.Asp887Val). Advanced modeling of protein sequence and biophysical properties (such as structural, functional, and spatial information, amino acid conservation, physicochemical variation, residue mobility, and thermodynamic stability) performed at Invitae indicates that this missense variant is not expected to disrupt PHKA1 protein function. In summary, the available evidence is currently insufficient to determine the role of this variant in disease. Therefore, it has been classified as a Variant of Uncertain Significance.